The following is an entry in ClinVar:

NM_015443.4(KANSL1):c.99T>C (p.Ser33=)

Gene: KANSL1 (KAT8 regulatory NSL complex subunit 1). Cytogenetic location: 17q21.31.
Variant type: single nucleotide variant.
Coding change: c.99T>C on transcript NM_015443.4 (MANE Select); coding-DNA position 99, T replaced by C.
Protein change: p.Ser33=; no amino-acid change (serine 33 retained).
Molecular consequence: synonymous variant.
Genome position (GRCh38, 1-based): chr17:46,172,045, A>G on the plus strand (T>C on the coding strand, the complement: KANSL1 is on the minus strand). VCF-style: chr17-46172045-A-G. GRCh37 (hg19) VCF-style: chr17-44249411-A-G.
Other names: c.99T>C, p.Ser33= (NM_001193465.2, NM_001193466.2, NM_001379198.1).
Identifiers: ClinVar variation 392281 (VCV000392281.8), dbSNP rs766805510, ClinGen allele CA8619114.

ClinVar aggregate classification (germline): Likely benign. Review status: criteria provided, multiple submitters, no conflicts (2 of 4 stars). 2 submissions from 2 submitters: Likely benign (2). Last evaluated 2024-02-05.

Conditions:
Koolen-de Vries syndrome (KDVS). Identifiers: Orphanet 96169, MedGen C1864871, MONDO:0012496, OMIM 610443.

Allele frequency attached by ClinVar (database versions not stated): gnomAD exomes below 0.00001; ExAC 0.00001; gnomAD 0.00001; TOPMed 0.00001.
gnomAD v4.1: 5 of 1,614,108 alleles (0.00031%); highest among the groups gnomAD compares: Non-Finnish European, 0.00042%; no homozygotes.

Submissions (2):

Labcorp Genetics (formerly Invitae), Labcorp
Classification: Likely benign for Koolen-de Vries syndrome. Last evaluated: 2024-02-05. Review status: criteria provided, single submitter. Criteria: Invitae Variant Classification Sherloc (09022015). Collection method: clinical testing. Allele origin: germline.

GeneDx
Classification: Likely benign. Last evaluated: 2017-01-09. Review status: criteria provided, single submitter. Criteria: GeneDx Variant Classification (06012015). Collection method: clinical testing. Allele origin: germline. Affected: yes.
Comment: This variant is considered likely benign or benign based on one or more of the following criteria: it is a conservative change, it occurs at a poorly conserved position in the protein, it is predicted to be benign by multiple in silico algorithms, and/or has population frequency not consistent with disease.